The following is an entry in ClinVar:

ClinVar aggregate classification (germline): Benign/Likely benign. Review status: criteria provided, multiple submitters, no conflicts (2 of 4 stars). 4 submissions from 4 submitters: Benign (1); Likely benign (2). 1 of the submissions does not count toward it. Last evaluated 2025-12-21.

Conditions:
MNX1-related disorder. Also called: MNX1-related condition.
Currarino triad. Identifiers: Orphanet 1552, MedGen C1531773, MONDO:0008305, OMIM 176450.

Allele frequency attached by ClinVar (database versions not stated): TOPMed 0.00004; gnomAD 0.00016; 1000 Genomes Project 0.00060; gnomAD exomes 0.00093; 1000 Genomes Project 30x 0.00094; ExAC 0.00793.
gnomAD v4.1: 210 of 1,282,402 alleles (0.016%); highest among the groups gnomAD compares: South Asian, 0.49%; 3 homozygotes.

Submissions (4):

Labcorp Genetics (formerly Invitae), Labcorp
Classification: Benign. Last evaluated: 2025-12-21. Review status: criteria provided, single submitter. Criteria: Invitae Variant Classification Sherloc (09022015). Collection method: clinical testing. Allele origin: germline.

CeGaT Center for Human Genetics Tuebingen
Classification: Likely benign. Last evaluated: 2025-06-01. Review status: criteria provided, single submitter. Criteria: CeGaT Center For Human Genetics Tuebingen Variant Classification Criteria Version 2. Collection method: clinical testing. Allele origin: germline. Affected: yes. Observed: 1 variant allele.
Comment: MNX1: BP4, BP7

Fulgent Genetics
Classification: Likely benign for Currarino triad. Last evaluated: 2022-02-10. Review status: criteria provided, single submitter. Criteria: ACMG Guidelines, 2015. Collection method: clinical testing. Allele origin: unknown.

PreventionGenetics, part of Exact Sciences
Classification: Likely benign for MNX1-related condition. Last evaluated: 2019-04-19. Review status: no assertion criteria provided. Collection method: clinical testing. Allele origin: germline. Not counted in ClinVar's aggregate classification.
Comment: This variant is classified as likely benign based on ACMG/AMP sequence variant interpretation guidelines (Richards et al. 2015 PMID: 25741868, with internal and published modifications).

NM_005515.4(MNX1):c.126A>G (p.Gly42=)

Gene: MNX1 (motor neuron and pancreas homeobox 1; minus strand). Cytogenetic location: 7q36.3.
Variant type: single nucleotide variant.
Coding change: c.126A>G on transcript NM_005515.4 (MANE Select); coding-DNA position 126, A replaced by G.
Protein change: p.Gly42=; no amino-acid change (glycine 42 retained).
Molecular consequence: synonymous variant.
Genome position (GRCh38, 1-based): chr7:157,010,225, T>C on the plus strand (A>G on the coding strand, the complement: MNX1 is on the minus strand). VCF-style: chr7-157010225-T-C. GRCh37 (hg19) VCF-style: chr7-156802919-T-C.
Other names: c.126A>G (NM_005515.3).
Identifiers: ClinVar variation 1580428 (VCV001580428.21), dbSNP rs536068265, ClinGen allele CA4589295.
Genomic context (GRCh38, chr7:157,010,225, plus strand): 5'-GGACGCGGGGCTGCAGCTGCCGCTAGTCCCGCCGCTCGCCCCGCCGCCGCCGCCGCCACC[T>C]CCGGTGCCAGATGCGGCGGCGGCGAGCGACGTGACCAAGGCCAGCGGCGCGCTCTGCGCA-3'
Protein context (NP_005506.3, residues 32-52): TSLAAAASGT[Gly42=]GGGGGGGASG